The following is an entry in ClinVar:

NM_020347.4(LZTFL1):c.363G>A (p.Glu121=)

Gene: LZTFL1 (leucine zipper transcription factor like 1; minus strand). Cytogenetic location: 3p21.31.
Variant type: single nucleotide variant.
Coding change: c.363G>A on transcript NM_020347.4 (MANE Select); coding-DNA position 363, G replaced by A.
Protein change: p.Glu121=; no amino-acid change (glutamic acid 121 retained).
Molecular consequence: synonymous variant. On other transcripts: non-coding transcript variant (2).
Genome position (GRCh38, 1-based): chr3:45,834,259, C>T on the plus strand (G>A on the coding strand, the complement: LZTFL1 is on the minus strand). VCF-style: chr3-45834259-C-T. GRCh37 (hg19) VCF-style: chr3-45875751-C-T.
Other names: c.312G>A, p.Glu104= (NM_001276378.2, NM_001386451.1, NM_001405922.1 and 4 more transcripts); c.351G>A, p.Glu117= (NM_001276379.2, NM_001405921.1); c.363G>A, p.Glu121= (NM_001386452.1, NM_001405924.1); c.387G>A, p.Glu129= (NM_001405920.1, NM_001405925.1).
Identifiers: ClinVar variation 3042267 (VCV003042267.2), dbSNP rs770707574, ClinGen allele CA2351957.
Genomic context (GRCh38, chr3:45,834,259, plus strand): 5'-GGCTATTAAGATATGGATTTAGAATGACCAAAAAGTTACCTTTTTGTTTGAAGATGTAAT[C>T]TCTGCTTTTTCAAATTCTGCAACTTGTTCTAATAATTCTCTTGAAGAAGAAAGCAAAGAT-3'
Protein context (NP_065080.1, residues 111-131): LEQVAEFEKA[Glu121=]ITSSNKKPIL

ClinVar aggregate classification (germline): Likely benign (0 of 4 stars; one submission).

Conditions:
LZTFL1-related disorder. Also called: LZTFL1-related condition.

Allele frequency attached by ClinVar (database versions not stated): gnomAD exomes below 0.00001; ExAC 0.00001.
gnomAD v4.1: 1 of 1,595,744 alleles (0.000063%); highest among the groups gnomAD compares: Non-Finnish European, 0.000086%; no homozygotes.

Submission:

PreventionGenetics, part of Exact Sciences
Classification: Likely benign for LZTFL1-related condition. Last evaluated: 2019-05-20. Review status: no assertion criteria provided. Collection method: clinical testing. Allele origin: germline.
Comment: This variant is classified as likely benign based on ACMG/AMP sequence variant interpretation guidelines (Richards et al. 2015 PMID: 25741868, with internal and published modifications).